The following is an entry in ClinVar:

ClinVar aggregate classification (germline): Benign/Likely benign. Review status: criteria provided, multiple submitters, no conflicts (2 of 4 stars). 4 submissions from 4 submitters: Benign (1); Likely benign (3). Last evaluated 2025-06-16.

Conditions:
Familial adenomatous polyposis 1 (FAP1). Also called: FAMILIAL ADENOMATOUS POLYPOSIS 1, ATTENUATED; POLYPOSIS, ADENOMATOUS INTESTINAL. Identifiers: MedGen C2713442, MONDO:0021056, OMIM 175100. Disease mechanism: loss of function.
Hereditary cancer-predisposing syndrome. Also called: Neoplastic Syndromes, Hereditary; Tumor predisposition; Hereditary Cancer Syndrome; Hereditary neoplastic syndrome. Identifiers: Orphanet 140162, MedGen C0027672, MeSH D009386, MONDO:0015356.

Allele frequency attached by ClinVar (database versions not stated): gnomAD exomes below 0.00001.
gnomAD v4.1: 6 of 1,614,156 alleles (0.00037%); highest among the groups gnomAD compares: South Asian, 0.0044%; no homozygotes.

Submissions (4):

Labcorp Genetics (formerly Invitae), Labcorp
Classification: Likely benign for Familial adenomatous polyposis 1. Last evaluated: 2025-06-16. Review status: criteria provided, single submitter. Criteria: Invitae Variant Classification Sherloc (09022015). Collection method: clinical testing. Allele origin: germline.

Myriad Genetics, Inc.
Classification: Benign for Familial adenomatous polyposis 1. Last evaluated: 2024-03-08. Review status: criteria provided, single submitter. Criteria: Myriad Autosomal Dominant, Autosomal Recessive and X-Linked Classification Criteria (2023). Collection method: clinical testing. Allele origin: unknown.
Comment: This variant is considered benign. This variant is a silent/synonymous amino acid change and it is not expected to impact splicing.

Color Diagnostics, LLC DBA Color Health
Classification: Likely benign for Hereditary cancer-predisposing syndrome. Last evaluated: 2019-11-25. Review status: criteria provided, single submitter. Criteria: ACMG Guidelines, 2015. Collection method: clinical testing. Allele origin: germline.

Ambry Genetics
Classification: Likely benign for Hereditary cancer-predisposing syndrome. Last evaluated: 2019-02-06. Review status: criteria provided, single submitter. Criteria: Ambry Variant Classification Scheme 2023. Collection method: clinical testing. Allele origin: germline.

Literature cited by the submitters: PubMed 21110124 (cited by Ambry Genetics).

NM_000038.6(APC):c.2124G>A (p.Lys708=)

Gene: APC (APC regulator of Wnt signaling pathway; plus strand). Cytogenetic location: 5q22.2.
Variant type: single nucleotide variant.
Coding change: c.2124G>A on transcript NM_000038.6 (MANE Select); coding-DNA position 2124, G replaced by A.
Protein change: p.Lys708=; no amino-acid change (lysine 708 retained).
Molecular consequence: synonymous variant.
Genome position (GRCh38, 1-based): chr5:112,837,718, G>A. VCF-style: chr5-112837718-G-A. GRCh37 (hg19) VCF-style: chr5-112173415-G-A.
Other names: c.2124G>A, p.Lys708= (NM_001127510.3, NM_001354895.2); c.2070G>A, p.Lys690= (NM_001127511.3); c.2178G>A, p.Lys726= (NM_001354896.2); c.2154G>A, p.Lys718= (NM_001354897.2); c.2049G>A, p.Lys683= (NM_001354898.2); c.2040G>A, p.Lys680= (NM_001354899.2); c.2001G>A, p.Lys667= (NM_001354900.2); c.1947G>A, p.Lys649= (NM_001354901.2); and 5 more.
Identifiers: ClinVar variation 820763 (VCV000820763.16), dbSNP rs1454608873, ClinGen allele CA445963438.
Genomic context (GRCh38, chr5:112,837,718, plus strand): 5'-AGCAAGAAATCCTAAAGACCAGGAAGCATTATGGGACATGGGGGCAGTTAGCATGCTCAA[G>A]AACCTCATTCATTCAAAGCACAAAATGATTGCTATGGGAAGTGCTGCAGCTTTAAGGAAT-3'
Protein context (NP_000029.2, residues 698-718): LWDMGAVSML[Lys708=]NLIHSKHKMI